The following is an entry in ClinVar:

ClinVar aggregate classification (germline): Likely pathogenic (1 of 4 stars; one submission).

Conditions:
Joubert syndrome. Also called: Familial aplasia of the vermis; JOUBERT-BOLTSHAUSER SYNDROME; CEREBELLOPARENCHYMAL DISORDER IV. Identifiers: Orphanet 475, MedGen C5979921, MONDO:0018772.

Submission:

Natera, Inc.
Classification: Likely pathogenic for Joubert syndrome. Last evaluated: 2024-09-30. Review status: criteria provided, single submitter. Criteria: Natera Variant Classification Schema (03/2026). Collection method: clinical testing. Allele origin: germline.
Comment: The c.2969del variant in RPGRIP1L is a frameshift variant predicted to shift the reading frame beginning at codon 990 and leads to a stop codon 13 codons downstream. This variant is expected to result in nonsense mediated decay, truncation, or a dysfunctional protein product. This variant is rare in the general population with a frequency below the threshold expected for the associated phenotype(s). Given the available evidence, this variant is classified as Likely Pathogenic.

NM_015272.5(RPGRIP1L):c.2969del (p.Pro990fs)

Gene: RPGRIP1L (RPGRIP1 like; minus strand). Cytogenetic location: 16q12.2.
Variant type: Deletion.
Coding change: c.2969del on transcript NM_015272.5 (MANE Select); coding-DNA position 2969, one base deleted (C; older notation c.2969delC).
Protein change: p.Pro990fs; shifts the reading frame from proline 990.
Molecular consequence: frameshift variant. On other transcripts: intron variant (2).
Genome position (GRCh38, 1-based): chr16:53,638,401, G deleted on the plus strand (C on the coding strand, the reverse complement: RPGRIP1L is on the minus strand); the first of 2 consecutive G bases (chr16:53,638,401-53,638,402); deleting either gives the same sequence. VCF-style (leftmost placement, unchanged base first): chr16-53638400-AG-A. GRCh37 (hg19) VCF-style: chr16-53672312-AG-A.
Other names: c.2969del, p.Pro990fs (NM_001308334.3); c.2959-547del (NM_001127897.4, NM_001330538.2); short protein forms P990fs.
Identifiers: ClinVar variation 4815840 (VCV004815840.1).